The following is an entry in ClinVar:

NM_004086.3(COCH):c.883A>T (p.Asn295Tyr)

Genes: COCH (cochlin; plus strand), LOC100506071 (uncharacterized LOC100506071; minus strand). Cytogenetic location: 14q12.
Variant type: single nucleotide variant.
Coding change: c.883A>T on transcript NM_004086.3 (MANE Select); coding-DNA position 883, A replaced by T.
Protein change: p.Asn295Tyr; replaces asparagine 295 with tyrosine.
Molecular consequence: missense variant. On other transcripts: non-coding transcript variant (1).
Genome position (GRCh38, 1-based): chr14:30,885,543, A>T. VCF-style: chr14-30885543-A-T. GRCh37 (hg19) VCF-style: chr14-31354749-A-T.
Other names: c.883A>T, p.Asn295Tyr (NM_001135058.2); c.1078A>T, p.Asn360Tyr (NM_001347720.2); short protein forms N295Y, N360Y.
Identifiers: ClinVar variation 3603034 (VCV003603034.1).

ClinVar aggregate classification (germline): Uncertain significance (1 of 4 stars; one submission).

Submission:

GeneDx
Classification: Uncertain significance. Last evaluated: 2024-08-08. Review status: criteria provided, single submitter. Criteria: GeneDx Variant Classification Process June 2021. Collection method: clinical testing. Allele origin: germline. Affected: yes.
Comment: Not observed at significant frequency in large population cohorts (gnomAD); In silico analysis supports that this missense variant has a deleterious effect on protein structure/function; Has not been previously published as pathogenic or benign to our knowledge